The following is an entry in ClinVar:

NM_005557.4(KRT16):c.539C>T (p.Ala180Val)

Gene: KRT16 (keratin 16; minus strand). Cytogenetic location: 17q21.2.
Variant type: single nucleotide variant.
Coding change: c.539C>T on transcript NM_005557.4 (MANE Select); coding-DNA position 539, C replaced by T.
Protein change: p.Ala180Val; replaces alanine 180 with valine.
Molecular consequence: missense variant.
Genome position (GRCh38, 1-based): chr17:41,611,714, G>A on the plus strand (C>T on the coding strand, the complement: KRT16 is on the minus strand). VCF-style: chr17-41611714-G-A. GRCh37 (hg19) VCF-style: chr17-39767966-G-A.
Other names: short protein forms A180V.
Identifiers: ClinVar variation 587419 (VCV000587419.20), dbSNP rs142750223, ClinGen allele CA8563215.
Genomic context (GRCh38, chr17:41,611,714, plus strand): 5'-TCGGCTGCCAGCCTGGCATTGTCAATCTGCAAAATGGGCTGCGCATTCTCAATGGTGGCC[G>A]CAATGATCTGGAGTGGGGATGGAGGACAGGAGCCCTGGTCAGCCAAGGACCTTACTACTT-3'
Protein context (NP_005548.2, residues 170-190): TIEDLRNKII[Ala180Val]ATIENAQPIL

ClinVar aggregate classification (germline): Conflicting classifications of pathogenicity. Review status: criteria provided, conflicting classifications (1 of 4 stars). 4 submissions from 3 submitters: Uncertain significance (2); Benign (1); Likely benign (1). Last evaluated 2026-01-19.

Conditions:
Pachyonychia congenita 1 (PC1). Also called: PACHYONYCHIA CONGENITA, LATE ONSET; KRT16-Related Pachyonychia Congenita; Jadassohn Lewandowsky syndrome. Identifiers: Orphanet 2309, MedGen C1706595, MONDO:0008173, OMIM 167200.
Palmoplantar keratoderma, epidermolytic. Also called: Localized epidermolytic hyperkeratosis. Identifiers: MedGen C1721006, MONDO:0968949, HP:0007559.

Allele frequency attached by ClinVar (database versions not stated): gnomAD 0.00104 and 0.00131; ESP Exome Variant Server 0.00123; TOPMed 0.00163; ExAC 0.00271; 1000 Genomes Project 0.00280; 1000 Genomes Project 30x 0.00328.
gnomAD v4.1: 2,489 of 1,609,484 alleles (0.15%); highest among the groups gnomAD compares: South Asian, 0.87%; 19 homozygotes.

Submissions (4):

Labcorp Genetics (formerly Invitae), Labcorp
Classification: Benign. Last evaluated: 2026-01-19. Review status: criteria provided, single submitter. Criteria: Invitae Variant Classification Sherloc (09022015). Collection method: clinical testing. Allele origin: germline.

CeGaT Center for Human Genetics Tuebingen
Classification: Likely benign. Last evaluated: 2025-09-01. Review status: criteria provided, single submitter. Criteria: CeGaT Center For Human Genetics Tuebingen Variant Classification Criteria Version 2. Collection method: clinical testing. Allele origin: germline. Affected: yes. Observed: 1 variant allele.
Comment: KRT16: BP4, BS2

Genomic Research Center, Shahid Beheshti University of Medical Sciences
Classification: Uncertain significance for Pachyonychia congenita 1. Last evaluated: 2018-08-07. Review status: criteria provided, single submitter. Criteria: ACMG Guidelines, 2015. Collection method: clinical testing. Allele origin: inherited. Affected: yes. Observed: 1 variant allele.

Genomic Research Center, Shahid Beheshti University of Medical Sciences
Classification: Uncertain significance for Localized epidermolytic hyperkeratosis. Last evaluated: 2018-08-07. Review status: criteria provided, single submitter. Criteria: ACMG Guidelines, 2015. Collection method: clinical testing. Allele origin: inherited. Affected: yes. Observed: 1 variant allele.